The following is an entry in ClinVar:

NM_016239.4(MYO15A):c.2352G>T (p.Pro784=)

Gene: MYO15A (myosin XVA; plus strand). Cytogenetic location: 17p11.2.
Variant type: single nucleotide variant.
Coding change: c.2352G>T on transcript NM_016239.4 (MANE Select); coding-DNA position 2352, G replaced by T.
Protein change: p.Pro784=; no amino-acid change (proline 784 retained).
Molecular consequence: synonymous variant.
Genome position (GRCh38, 1-based): chr17:18,121,152, G>T. VCF-style: chr17-18121152-G-T. GRCh37 (hg19) VCF-style: chr17-18024466-G-T.
Other names: c.2352G>T (NM_016239.3).
Identifiers: ClinVar variation 2061110 (VCV002061110.5), dbSNP rs748006735, ClinGen allele CA8423252.

ClinVar aggregate classification (germline): Likely benign. Review status: criteria provided, multiple submitters, no conflicts (2 of 4 stars). 2 submissions from 2 submitters: Likely benign (2). Last evaluated 2026-08-12.

Conditions:
MYO15A-related disorder. Also called: MYO15A-related condition.

Allele frequency attached by ClinVar (database versions not stated): gnomAD 0.00004.
gnomAD v4.1: 44 of 1,511,868 alleles (0.0029%); highest among the groups gnomAD compares: African/African-American, 0.0058%; no homozygotes.

Submissions (2):

PreventionGenetics, part of Exact Sciences
Classification: Likely benign for MYO15A-related condition. Last evaluated: 2026-08-12. Review status: criteria provided, single submitter. Criteria: ACMG Guidelines, 2015. Collection method: clinical testing. Allele origin: germline.
Comment: This variant is classified as likely benign based on ACMG/AMP sequence variant interpretation guidelines (Richards et al. 2015 PMID: 25741868, with internal and published modifications).

Labcorp Genetics (formerly Invitae), Labcorp
Classification: Likely benign. Last evaluated: 2024-08-12. Review status: criteria provided, single submitter. Criteria: Invitae Variant Classification Sherloc (09022015). Collection method: clinical testing. Allele origin: germline.